The following is an entry in ClinVar:

NM_052813.5(CARD9):c.372G>A (p.Met124Ile)

Gene: CARD9 (caspase recruitment domain family member 9; minus strand). Cytogenetic location: 9q34.3.
Variant type: single nucleotide variant.
Coding change: c.372G>A on transcript NM_052813.5 (MANE Select); coding-DNA position 372, G replaced by A.
Protein change: p.Met124Ile; replaces methionine 124 with isoleucine.
Molecular consequence: missense variant.
Genome position (GRCh38, 1-based): chr9:136,371,096, C>T on the plus strand (G>A on the coding strand, the complement: CARD9 is on the minus strand). VCF-style: chr9-136371096-C-T. GRCh37 (hg19) VCF-style: chr9-139265548-C-T.
Other names: c.372G>A, p.Met124Ile (NM_052814.4); short protein forms M124I.
Identifiers: ClinVar variation 948725 (VCV000948725.1), dbSNP rs926038111, ClinGen allele CA201614831.

ClinVar aggregate classification (germline): Uncertain significance (1 of 4 stars; one submission).

Conditions:
Predisposition to invasive fungal disease due to CARD9 deficiency (IMD103). Also called: Candidiasis, familial, 2, autosomal recessive; IMMUNODEFICIENCY 103, SUSCEPTIBILITY TO FUNGAL INFECTIONS; CARD9 IMMUNODEFICIENCY. Identifiers: Orphanet 457088, MedGen C1859353, MONDO:0008905, OMIM 212050.

Submission:

Labcorp Genetics (formerly Invitae), Labcorp
Classification: Uncertain significance for Candidiasis, familial, 2. Last evaluated: 2019-06-12. Review status: criteria provided, single submitter. Criteria: Invitae Variant Classification Sherloc (09022015). Collection method: clinical testing. Allele origin: germline.
Comment: This sequence change replaces methionine with isoleucine at codon 124 of the CARD9 protein (p.Met124Ile). The methionine residue is moderately conserved and there is a small physicochemical difference between methionine and isoleucine. This variant is not present in population databases (ExAC no frequency). This variant has not been reported in the literature in individuals with CARD9-related conditions. Algorithms developed to predict the effect of missense changes on protein structure and function (SIFT, PolyPhen-2, Align-GVGD) all suggest that this variant is likely to be tolerated, but these predictions have not been confirmed by published functional studies and their clinical significance is uncertain. In summary, the available evidence is currently insufficient to determine the role of this variant in disease. Therefore, it has been classified as a Variant of Uncertain Significance.